The following is an entry in ClinVar:

NM_000046.5(ARSB):c.785dup (p.Asn262fs)

Gene: ARSB (arylsulfatase B; minus strand). Cytogenetic location: 5q14.1.
Variant type: Duplication.
Coding change: c.785dup on transcript NM_000046.5 (MANE Select); coding-DNA position 785, one base duplicated (A; older notation c.785dupA).
Protein change: p.Asn262fs; shifts the reading frame from asparagine 262.
Molecular consequence: frameshift variant.
Genome position (GRCh38, 1-based): chr5:78,955,408, T duplicated on the plus strand (A on the coding strand, the reverse complement: ARSB is on the minus strand); the first of 2 consecutive T bases (chr5:78,955,408-78,955,409); duplicating either gives the same sequence. VCF-style (leftmost placement, unchanged base first): chr5-78955407-G-GT. GRCh37 (hg19) VCF-style: chr5-78251230-G-GT.
Other names: c.785dup, p.Asn262fs (NM_198709.3); short protein forms N262fs.
Identifiers: ClinVar variation 559813 (VCV000559813.4), dbSNP rs749015246, ClinGen allele CA3318179.

ClinVar aggregate classification (germline): Likely pathogenic. Review status: criteria provided, multiple submitters, no conflicts (2 of 4 stars). 3 submissions from 3 submitters: Likely pathogenic (3). Last evaluated 2023-05-23.

Conditions:
ARSB-related disorder. Also called: ARSB-related condition.
Mucopolysaccharidosis type 6 (MPS6). Also called: MPS 6; Maroteaux Lamy syndrome; ARSB DEFICIENCY; ARYLSULFATASE B DEFICIENCY; MPS VI; N-ACETYLGALACTOSAMINE-4-SULFATASE DEFICIENCY. Identifiers: Orphanet 583, MedGen C0026709, MONDO:0009661, OMIM 253200.

Submissions (3):

Baylor Genetics
Classification: Likely pathogenic for Mucopolysaccharidosis type 6. Last evaluated: 2023-05-23. Review status: criteria provided, single submitter. Criteria: ACMG Guidelines, 2015. Collection method: clinical testing. Allele origin: unknown.

Blueprint Genetics
Classification: Likely pathogenic for ARSB-related disorders. Last evaluated: 2019-10-23. Review status: criteria provided, single submitter. Criteria: ACMG Guidelines, 2015. Collection method: clinical testing. Allele origin: germline. Affected: yes. Observed: 2 variant alleles.

Laboratory of Diagnosis and Therapy of Lysosomal Disorders, University of Padova
Classification: Likely pathogenic for Mucopolysaccharidosis type 6. Last evaluated: 2018-01-01. Review status: criteria provided, single submitter. Criteria: ACMG Guidelines, 2015. Collection method: curation. Allele origin: germline. Affected: yes.
Comment: Frameshift variant (PVS1); Very low frequency in GnomAD (PM2)

Incorrectly reported by Chistiakov (2014) Clin Chim Acta 436C, 112 as c.785insA

Literature cited by the submitters: PubMed 24875751 (cited by Laboratory of Diagnosis and Therapy of Lysosomal Disorders, University of Padova); PubMed 30118150 (cited by Laboratory of Diagnosis and Therapy of Lysosomal Disorders, University of Padova).